The following is an entry in ClinVar:

ClinVar aggregate classification (germline): Conflicting classifications of pathogenicity. Review status: criteria provided, conflicting classifications (1 of 4 stars). 8 submissions from 8 submitters: Uncertain significance (3); Benign (1); Likely benign (2). 2 of the submissions do not count toward it. Last evaluated 2026-01-18.

Conditions:
LRP2-related disorder. Also called: LRP2-related condition.
Inborn genetic diseases. Identifiers: MedGen C0950123, MeSH D030342.
Donnai-Barrow syndrome. Also called: DBS/FOAR SYNDROME; FACIOOCULOACOUSTICORENAL SYNDROME. Identifiers: Orphanet 2143, MedGen C1857277, MONDO:0009104, OMIM 222448.

Allele frequency attached by ClinVar (database versions not stated): gnomAD 0.00020 and 0.00021; TOPMed 0.00022; 1000 Genomes Project 30x 0.00031; ExAC 0.00032; ESP Exome Variant Server 0.00038; 1000 Genomes Project 0.00040.
gnomAD v4.1: 220 of 1,613,952 alleles (0.014%); highest among the groups gnomAD compares: African/African-American, 0.017%; no homozygotes.

Submissions (8):

Labcorp Genetics (formerly Invitae), Labcorp
Classification: Likely benign. Last evaluated: 2026-01-18. Review status: criteria provided, single submitter. Criteria: Invitae Variant Classification Sherloc (09022015). Collection method: clinical testing. Allele origin: germline.

Blueprint Genetics
Classification: Benign. Last evaluated: 2024-10-07. Review status: criteria provided, single submitter. Criteria: ACMG Guidelines, 2015. Collection method: clinical testing. Allele origin: germline.

GeneDx
Classification: Uncertain significance. Last evaluated: 2024-10-07. Review status: criteria provided, single submitter. Criteria: GeneDx Variant Classification Process June 2021. Collection method: clinical testing. Allele origin: germline. Affected: yes.
Comment: In silico analysis supports that this missense variant has a deleterious effect on protein structure/function; Has not been previously published as pathogenic or benign to our knowledge

Ambry Genetics
Classification: Likely benign for Inborn genetic diseases. Last evaluated: 2022-05-04. Review status: criteria provided, single submitter. Criteria: Ambry Variant Classification Scheme 2023. Collection method: clinical testing. Allele origin: germline.

Genome-Nilou Lab
Classification: Uncertain significance for Donnai-Barrow syndrome. Last evaluated: 2021-07-15. Review status: criteria provided, single submitter. Criteria: ACMG Guidelines, 2015. Collection method: clinical testing. Allele origin: germline. Affected: no.

Illumina Laboratory Services, Illumina
Classification: Uncertain significance for Donnai-Barrow syndrome. Last evaluated: 2018-01-13. Review status: criteria provided, single submitter. Criteria: ICSL Variant Classification Criteria 13 December 2019. Collection method: clinical testing. Allele origin: germline.

PreventionGenetics, part of Exact Sciences
Classification: Likely benign for LRP2-related condition. Last evaluated: 2019-11-06. Review status: no assertion criteria provided. Collection method: clinical testing. Allele origin: germline. Not counted in ClinVar's aggregate classification.
Comment: This variant is classified as likely benign based on ACMG/AMP sequence variant interpretation guidelines (Richards et al. 2015 PMID: 25741868, with internal and published modifications).

Department of Pathology and Laboratory Medicine, Sinai Health System
Classification: Uncertain significance. Review status: no assertion criteria provided. Collection method: clinical testing. Allele origin: unknown. Affected: yes. Study: The Canadian Open Genetics Repository (COGR). Not counted in ClinVar's aggregate classification.
Comment: The LRP2 p.Ala2044Thr variant was not identified in the literature nor was it identified in LOVD 3.0. The variant was identified in dbSNP (ID: rs142266106) and ClinVar (classified as uncertain significance by Illumina for Donnai-Barrow Syndrome). The variant was identified in control databases in 83 of 282632 chromosomes at a frequency of 0.0002937 (Genome Aggregation Database March 6, 2019, v2.1.1). The variant was observed in the following populations: Ashkenazi Jewish in 58 of 10356 chromosomes (freq: 0.005601), Other in 3 of 7216 chromosomes (freq: 0.000416), East Asian in 5 of 19946 chromosomes (freq: 0.000251), African in 5 of 24960 chromosomes (freq: 0.0002), South Asian in 3 of 30614 chromosomes (freq: 0.000098) and European (non-Finnish) in 9 of 129018 chromosomes (freq: 0.00007), but was not observed in the Latino or European (Finnish) populations. The p.Ala2044 residue is conserved in mammals and computational analyses (PolyPhen-2, SIFT, AlignGVGD, BLOSUM, MutationTaster) provide inconsistent predictions regarding the impact to the protein; this information is not very predictive of pathogenicity. The variant occurs outside of the splicing consensus sequence and in silico or computational prediction software programs (SpliceSiteFinder, MaxEntScan, NNSPLICE, GeneSplicer) do not predict a difference in splicing. In summary, based on the above information the clinical significance of this variant cannot be determined with certainty at this time. This variant is classified as a variant of uncertain significance.

NM_004525.3(LRP2):c.6130G>A (p.Ala2044Thr)

Gene: LRP2 (LDL receptor related protein 2; minus strand). Cytogenetic location: 2q31.1.
Variant type: single nucleotide variant.
Coding change: c.6130G>A on transcript NM_004525.3 (MANE Select); coding-DNA position 6130, G replaced by A.
Protein change: p.Ala2044Thr; replaces alanine 2044 with threonine.
Molecular consequence: missense variant.
Genome position (GRCh38, 1-based): chr2:169,212,118, C>T on the plus strand (G>A on the coding strand, the complement: LRP2 is on the minus strand). VCF-style: chr2-169212118-C-T. GRCh37 (hg19) VCF-style: chr2-170068628-C-T.
Other names: short protein forms A2044T.
Identifiers: ClinVar variation 332150 (VCV000332150.25), dbSNP rs142266106, ClinGen allele CA1954352.
Genomic context (GRCh38, chr2:169,212,118, plus strand): 5'-AAGAGTTATATGGAGAGCAGGACCGATTATCAGGATTGAGTTTAAATCCAGTGGCACAGG[C>T]GCAGGAAAACAATCCTCCTGGTACAGGCAGGCAAATCTGCTGACAGGCATTCATGTTGTT-3'
Protein context (NP_004516.2, residues 2034-2054): LPVPGGLFSC[Ala2044Thr]CATGFKLNPD